The following is an entry in ClinVar:

ClinVar aggregate classification (germline): Uncertain significance (1 of 4 stars; one submission).

Conditions:
DiGeorge syndrome. Also called: THIRD AND FOURTH PHARYNGEAL POUCH SYNDROME; Catch22. Identifiers: Orphanet 567, MedGen C0012236, MONDO:0008564, OMIM 188400.

gnomAD v4.1: 1 of 1,343,438 alleles (0.000074%); highest among the groups gnomAD compares: Non-Finnish European, 0.000096%; no homozygotes.

Submission:

Labcorp Genetics (formerly Invitae), Labcorp
Classification: Uncertain significance for DiGeorge syndrome. Last evaluated: 2022-08-08. Review status: criteria provided, single submitter. Criteria: Invitae Variant Classification Sherloc (09022015). Collection method: clinical testing. Allele origin: germline.
Comment: This variant has not been reported in the literature in individuals affected with TBX1-related conditions. In summary, the available evidence is currently insufficient to determine the role of this variant in disease. Therefore, it has been classified as a Variant of Uncertain Significance. Algorithms developed to predict the effect of missense changes on protein structure and function are either unavailable or do not agree on the potential impact of this missense change (SIFT: "Tolerated"; PolyPhen-2: "Possibly Damaging"; Align-GVGD: "Class C0"). This variant is not present in population databases (gnomAD no frequency). This sequence change replaces arginine, which is basic and polar, with histidine, which is basic and polar, at codon 347 of the TBX1 protein (p.Arg347His).

NM_001379200.1(TBX1):c.1067G>A (p.Arg356His)

Gene: TBX1 (T-box transcription factor 1; plus strand). Cytogenetic location: 22q11.21.
Variant type: single nucleotide variant.
Coding change: c.1067G>A on transcript NM_001379200.1 (MANE Select); coding-DNA position 1067, G replaced by A.
Protein change: p.Arg356His; replaces arginine 356 with histidine.
Molecular consequence: missense variant. On other transcripts: intron variant (2).
Genome position (GRCh38, 1-based): chr22:19,766,419, G>A. VCF-style: chr22-19766419-G-A. GRCh37 (hg19) VCF-style: chr22-19753942-G-A.
Other names: c.1040G>A, p.Arg347His (NM_080647.1); c.1009+417G>A (NM_005992.1, NM_080646.2); short protein forms R347H, R356H.
Identifiers: ClinVar variation 2141017 (VCV002141017.4), dbSNP rs2517857378, ClinGen allele CA410684023.
Genomic context (GRCh38, chr22:19,766,419, plus strand): 5'-GCCGCGCTCACTCCTCGGCCCTCTCCGCAGACGCGGCTGAGGCCCGGCGAGAATTCCAGC[G>A]CGACGCGGGCGGGCCAGCAGTGCTCGGGGACCCGGCGCATCCTCCGCAGCTGCTGGCCCG-3'
Protein context (NP_001366129.1, residues 346-366): DAAEARREFQ[Arg356His]DAGGPAVLGD